The following is an entry in ClinVar:

ClinVar aggregate classification (germline): Likely benign (0 of 4 stars; one submission).

Conditions:
SRGAP1-related disorder. Also called: SRGAP1-related condition.

Allele frequency attached by ClinVar (database versions not stated): gnomAD exomes below 0.00001; gnomAD 0.00001; TOPMed 0.00001.
gnomAD v4.1: 5 of 1,612,742 alleles (0.00031%); highest among the groups gnomAD compares: Admixed American, 0.005%; no homozygotes.

Submission:

PreventionGenetics, part of Exact Sciences
Classification: Likely benign for SRGAP1-related condition. Last evaluated: 2023-11-28. Review status: no assertion criteria provided. Collection method: clinical testing. Allele origin: germline.
Comment: This variant is classified as likely benign based on ACMG/AMP sequence variant interpretation guidelines (Richards et al. 2015 PMID: 25741868, with internal and published modifications).

NM_020762.4(SRGAP1):c.1323+6C>T

Gene: SRGAP1 (SLIT-ROBO Rho GTPase activating protein 1; plus strand). Cytogenetic location: 12q14.2.
Variant type: single nucleotide variant.
Coding change: c.1323+6C>T on transcript NM_020762.4 (MANE Select); 6 bases into the intron after coding-DNA position 1323, C replaced by T.
Molecular consequence: intron variant.
Genome position (GRCh38, 1-based): chr12:64,079,122, C>T. VCF-style: chr12-64079122-C-T. GRCh37 (hg19) VCF-style: chr12-64472902-C-T.
Other names: c.1323+6C>T (NM_001346201.2).
Identifiers: ClinVar variation 3031809 (VCV003031809.2), dbSNP rs773451694, ClinGen allele CA605361616.